The following is an entry in ClinVar:

ClinVar aggregate classification (germline): Likely benign (1 of 4 stars; one submission).

Submission:

CeGaT Center for Human Genetics Tuebingen
Classification: Likely benign. Last evaluated: 2026-04-01. Review status: criteria provided, single submitter. Criteria: CeGaT Center For Human Genetics Tuebingen Variant Classification Criteria Version 2. Collection method: clinical testing. Allele origin: germline. Affected: yes. Observed: 1 variant allele.
Comment: TRAF7: BS2

NM_032271.3(TRAF7):c.694C>T (p.Arg232Trp)

Gene: TRAF7 (TNF receptor associated factor 7; plus strand). Cytogenetic location: 16p13.3.
Variant type: single nucleotide variant.
Coding change: c.694C>T on transcript NM_032271.3 (MANE Select); coding-DNA position 694, C replaced by T.
Protein change: p.Arg232Trp; replaces arginine 232 with tryptophan.
Molecular consequence: missense variant.
Genome position (GRCh38, 1-based): chr16:2,172,499, C>T. VCF-style: chr16-2172499-C-T. GRCh37 (hg19) VCF-style: chr16-2222500-C-T.
Other names: short protein forms R232W.
Identifiers: ClinVar variation 4873271 (VCV004873271.2).
Genomic context (GRCh38, chr16:2,172,499, plus strand): 5'-CCTCCCCGCATCCCGCCCTGGCACAGGGACCACGAGGGCAGCTGTGACTACAGGCCTGTG[C>T]GGTGTCCCAACAACCCCAGCTGCCCCCCGCTGCTCAGGATGAACCTGGAGGCCCACCTCA-3'
Protein context (NP_115647.2, residues 222-242): HEGSCDYRPV[Arg232Trp]CPNNPSCPPL